The following is an entry in ClinVar:

NM_031308.4(EPPK1):c.2247C>T (p.Phe749=)

Gene: EPPK1 (epiplakin 1; minus strand). Cytogenetic location: 8q24.3.
Variant type: single nucleotide variant.
Coding change: c.2247C>T on transcript NM_031308.4 (MANE Select); coding-DNA position 2247, C replaced by T.
Protein change: p.Phe749=; no amino-acid change (phenylalanine 749 retained).
Molecular consequence: synonymous variant.
Genome position (GRCh38, 1-based): chr8:143,871,007, G>A on the plus strand (C>T on the coding strand, the complement: EPPK1 is on the minus strand). VCF-style: chr8-143871007-G-A. GRCh37 (hg19) VCF-style: chr8-144945175-G-A.
Identifiers: ClinVar variation 3048374 (VCV003048374.2), dbSNP rs530032622, ClinGen allele CA4923125.

ClinVar aggregate classification (germline): Likely benign (0 of 4 stars; one submission).

Conditions:
EPPK1-related disorder. Also called: EPPK1-related condition.

Allele frequency attached by ClinVar (database versions not stated): 1000 Genomes Project 30x 0.00172; 1000 Genomes Project 0.00200.
gnomAD v4.1: 529 of 1,613,282 alleles (0.033%); highest among the groups gnomAD compares: South Asian, 0.35%; 4 homozygotes.

Submission:

PreventionGenetics, part of Exact Sciences
Classification: Likely benign for EPPK1-related condition. Last evaluated: 2021-09-27. Review status: no assertion criteria provided. Collection method: clinical testing. Allele origin: germline.
Comment: This variant is classified as likely benign based on ACMG/AMP sequence variant interpretation guidelines (Richards et al. 2015 PMID: 25741868, with internal and published modifications).